The following is an entry in ClinVar:

NM_001384474.1(LOXHD1):c.4740+1G>A

Gene: LOXHD1 (lipoxygenase homology PLAT domains 1; minus strand). Cytogenetic location: 18q21.1.
Variant type: single nucleotide variant.
Coding change: c.4740+1G>A on transcript NM_001384474.1 (MANE Select); the canonical splice donor site of the intron after coding-DNA position 4740, G replaced by A.
Molecular consequence: splice donor variant.
Genome position (GRCh38, 1-based): chr18:46,524,707, C>T on the plus strand (G>A on the coding strand, the complement: LOXHD1 is on the minus strand). VCF-style: chr18-46524707-C-T. GRCh37 (hg19) VCF-style: chr18-44104670-C-T.
Other names: c.1407+1G>A (NM_001145472.3); c.1119+1G>A (NM_001308013.2); c.4740+1G>A (NM_144612.7).
Identifiers: ClinVar variation 1067108 (VCV001067108.8), dbSNP rs2144167172, ClinGen allele CA402373107.

ClinVar aggregate classification (germline): Likely pathogenic. Review status: criteria provided, single submitter (1 of 4 stars). 2 submissions from 2 submitters: Likely pathogenic (1). 1 of the submissions does not count toward it. Last evaluated 2020-04-22.

Conditions:
Autosomal recessive nonsyndromic hearing loss 77. Identifiers: Orphanet 90636, MedGen C2746083, MONDO:0013119, OMIM 613079.

Submissions (2):

Labcorp Genetics (formerly Invitae), Labcorp
Classification: Likely pathogenic. Last evaluated: 2020-04-22. Review status: criteria provided, single submitter. Criteria: Invitae Variant Classification Sherloc (09022015). Collection method: clinical testing. Allele origin: germline.
Comment: Algorithms developed to predict the effect of sequence changes on RNA splicing suggest that this variant may disrupt the consensus splice site, but this prediction has not been confirmed by published transcriptional studies. This variant has not been reported in the literature in individuals with LOXHD1-related conditions. This variant is not present in population databases (ExAC no frequency). This sequence change affects a donor splice site in intron 30 of the LOXHD1 gene. It is expected to disrupt RNA splicing and likely results in an absent or disrupted protein product. Donor and acceptor splice site variants typically lead to a loss of protein function (PMID: 16199547), and loss-of-function variants in LOXHD1 are known to be pathogenic (PMID: 19732867, 21465660, 25792669). In summary, the currently available evidence indicates that the variant is pathogenic, but additional data are needed to prove that conclusively. Therefore, this variant has been classified as Likely Pathogenic.

Natera, Inc.
Classification: Likely pathogenic for Autosomal recessive deafness type 77. Last evaluated: 2020-05-19. Review status: no assertion criteria provided. Collection method: clinical testing. Allele origin: germline. Not counted in ClinVar's aggregate classification.

Literature cited by the submitters: PubMed 16199547 (cited by Labcorp Genetics (formerly Invitae), Labcorp); PubMed 19732867 (cited by Labcorp Genetics (formerly Invitae), Labcorp); PubMed 21465660 (cited by Labcorp Genetics (formerly Invitae), Labcorp); PubMed 25792669 (cited by Labcorp Genetics (formerly Invitae), Labcorp).